The following is an entry in ClinVar:

NM_020297.4(ABCC9):c.1911+5G>A

Gene: ABCC9 (ATP binding cassette subfamily C member 9; minus strand). Cytogenetic location: 12p12.1.
Variant type: single nucleotide variant.
Coding change: c.1911+5G>A on transcript NM_020297.4 (MANE Select); 5 bases into the intron after coding-DNA position 1911, G replaced by A.
Molecular consequence: intron variant.
Genome position (GRCh38, 1-based): chr12:21,887,821, C>T on the plus strand (G>A on the coding strand, the complement: ABCC9 is on the minus strand). VCF-style: chr12-21887821-C-T. GRCh37 (hg19) VCF-style: chr12-22040755-C-T.
Other names: c.1047+5G>A (NM_001377274.1); c.1911+5G>A (NM_005691.4, NM_001377273.1).
Identifiers: ClinVar variation 1055233 (VCV001055233.7), dbSNP rs1946955991, ClinGen allele CA945537735.

ClinVar aggregate classification (germline): Uncertain significance (1 of 4 stars; one submission).

Conditions:
Dilated cardiomyopathy 1O (CMD1O). Also called: CARDIOMYOPATHY, DILATED, WITH VENTRICULAR TACHYCARDIA. Identifiers: Orphanet 154, MedGen C1837839, MONDO:0012062, OMIM 608569.

Allele frequency attached by ClinVar (database versions not stated): TOPMed below 0.00001; gnomAD 0.00001.
gnomAD v4.1: 1 of 1,601,916 alleles (0.000062%); highest among the groups gnomAD compares: African/African-American, 0.0013%; no homozygotes.

Submission:

Labcorp Genetics (formerly Invitae), Labcorp
Classification: Uncertain significance for Dilated cardiomyopathy 1O. Last evaluated: 2020-07-21. Review status: criteria provided, single submitter. Criteria: Invitae Variant Classification Sherloc (09022015). Collection method: clinical testing. Allele origin: germline.
Comment: In summary, the available evidence is currently insufficient to determine the role of this variant in disease. Therefore, it has been classified as a Variant of Uncertain Significance. Nucleotide substitutions within the consensus splice site are a relatively common cause of aberrant splicing (PMID: 17576681, 9536098). Algorithms developed to predict the effect of sequence changes on RNA splicing suggest that this variant may disrupt the consensus splice site, but this prediction has not been confirmed by published transcriptional studies. This variant has not been reported in the literature in individuals with ABCC9-related conditions. This variant is not present in population databases (ExAC no frequency). This sequence change falls in intron 13 of the ABCC9 gene. It does not directly change the encoded amino acid sequence of the ABCC9 protein, but it affects a nucleotide within the consensus splice site of the intron.

Literature cited by the submitters: PubMed 17576681; PubMed 9536098.